The following is an entry in ClinVar:

NM_001243133.2(NLRP3):c.2219G>A (p.Ser740Asn)

Gene: NLRP3 (NLR family pyrin domain containing 3; plus strand). Cytogenetic location: 1q44.
Variant type: single nucleotide variant.
Coding change: c.2219G>A on transcript NM_001243133.2 (MANE Select); coding-DNA position 2219, G replaced by A.
Protein change: p.Ser740Asn; replaces serine 740 with asparagine.
Molecular consequence: missense variant. On other transcripts: intron variant (2).
Genome position (GRCh38, 1-based): chr1:247,429,653, G>A. VCF-style: chr1-247429653-G-A. GRCh37 (hg19) VCF-style: chr1-247592955-G-A.
Other names: c.2219G>A, p.Ser740Asn (NM_001079821.3, NM_001127461.3); c.2225G>A, p.Ser742Asn (NM_004895.5); c.2150+4054G>A (NM_001127462.3, NM_183395.3); short protein forms S740N, S742N.
Identifiers: ClinVar variation 1694433 (VCV001694433.8), dbSNP rs200371066, ClinGen allele CA40695813.
Genomic context (GRCh38, chr1:247,429,653, plus strand): 5'-ACAGCCACCTCACTTCCAGTTTTTGCCGGGGCCTCTTTTCAGTTCTGAGCACCAGCCAGA[G>A]TCTAACTGAATTGGACCTCAGTGACAATTCTCTGGGGGACCCAGGGATGAGAGTGTTGTG-3'
Protein context (NP_001230062.1, residues 730-750): GLFSVLSTSQ[Ser740Asn]LTELDLSDNS

ClinVar aggregate classification (germline): Uncertain significance. Review status: criteria provided, multiple submitters, no conflicts (2 of 4 stars). 2 submissions from 2 submitters: Uncertain significance (2). Last evaluated 2024-03-04.

Conditions:
Cryopyrin associated periodic syndrome (CAPS). Identifiers: Orphanet 208650, MedGen C2316212, MONDO:0016168.
Autoinflammatory syndrome. Identifiers: Orphanet 93665, MedGen C3890737, MONDO:0019751.

Allele frequency attached by ClinVar (database versions not stated): gnomAD exomes below 0.00001 and 0.00001; TOPMed 0.00001.
gnomAD v4.1: 13 of 1,614,200 alleles (0.00081%); highest among the groups gnomAD compares: East Asian, 0.0022%; no homozygotes.

Submissions (2):

Labcorp Genetics (formerly Invitae), Labcorp
Classification: Uncertain significance for Cryopyrin associated periodic syndrome. Last evaluated: 2024-03-04. Review status: criteria provided, single submitter. Criteria: Invitae Variant Classification Sherloc (09022015). Collection method: clinical testing. Allele origin: germline.
Comment: This sequence change replaces serine, which is neutral and polar, with asparagine, which is neutral and polar, at codon 742 of the NLRP3 protein (p.Ser742Asn). This variant is present in population databases (rs200371066, gnomAD 0.006%). This variant has not been reported in the literature in individuals affected with NLRP3-related conditions. ClinVar contains an entry for this variant (Variation ID: 1694433). Advanced modeling of protein sequence and biophysical properties (such as structural, functional, and spatial information, amino acid conservation, physicochemical variation, residue mobility, and thermodynamic stability) performed at Invitae indicates that this missense variant is not expected to disrupt NLRP3 protein function with a negative predictive value of 95%. In summary, the available evidence is currently insufficient to determine the role of this variant in disease. Therefore, it has been classified as a Variant of Uncertain Significance.

Genome Diagnostics Laboratory, The Hospital for Sick Children
Classification: Uncertain significance for Autoinflammatory syndrome. Last evaluated: 2021-11-17. Review status: criteria provided, single submitter. Criteria: ACMG Guidelines, 2015. Collection method: clinical testing. Allele origin: germline. Affected: yes.